The following is an entry in ClinVar:

NM_001130438.3(SPTAN1):c.7015C>T (p.His2339Tyr)

Gene: SPTAN1 (spectrin alpha, non-erythrocytic 1; plus strand). Cytogenetic location: 9q34.11.
Variant type: single nucleotide variant.
Coding change: c.7015C>T on transcript NM_001130438.3 (MANE Select); coding-DNA position 7015, C replaced by T.
Protein change: p.His2339Tyr; replaces histidine 2339 with tyrosine.
Molecular consequence: missense variant.
Genome position (GRCh38, 1-based): chr9:128,632,573, C>T. VCF-style: chr9-128632573-C-T. GRCh37 (hg19) VCF-style: chr9-131394852-C-T.
Other names: c.6940C>T, p.His2314Tyr (NM_001195532.2); c.7078C>T, p.His2360Tyr (NM_001363759.2); c.6955C>T, p.His2319Tyr (NM_001363765.2, NM_001375314.2); c.7102C>T, p.His2368Tyr (NM_001375310.1); c.7015C>T, p.His2339Tyr (NM_001375311.2); c.7051C>T, p.His2351Tyr (NM_001375312.2); c.6997C>T, p.His2333Tyr (NM_001375313.1); c.7114C>T, p.His2372Tyr (NM_001375318.1); and 1 more; short protein forms H2314Y, H2319Y, H2333Y, H2334Y, H2339Y, H2351Y, H2360Y, H2368Y.
Identifiers: ClinVar variation 3233877 (VCV003233877.2), dbSNP rs757045012, ClinGen allele CA5265993.
Genomic context (GRCh38, chr9:128,632,573, plus strand): 5'-GGTGGGGGGTGTTCGGCAGCAGGGCTGCCTGCTGAGCCGCCCTCGGCTTTGTGCTGCAGA[C>T]ACTTTGACAAGGACAAGTCTGGCAGGCTGAACCATCAGGAGTTCAAATCTTGCCTGCGCT-3'
Protein context (NP_001123910.1, residues 2329-2349): ALKEFSMMFK[His2339Tyr]FDKDKSGRLN

ClinVar aggregate classification (germline): Uncertain significance (1 of 4 stars; one submission).

Allele frequency attached by ClinVar (database versions not stated): gnomAD exomes below 0.00001; ExAC 0.00001.
gnomAD v4.1: 4 of 1,614,112 alleles (0.00025%); highest among the groups gnomAD compares: South Asian, 0.0022%; no homozygotes.

Submission:

Women's Health and Genetics/Laboratory Corporation of America, LabCorp
Classification: Uncertain significance. Last evaluated: 2024-03-19. Review status: criteria provided, single submitter. Criteria: LabCorp Variant Classification Summary - May 2015. Collection method: clinical testing. Allele origin: germline.
Comment: Variant summary: SPTAN1 c.7015C>T (p.His2339Tyr) results in a conservative amino acid change located in the EF-hand domain of the encoded protein sequence. Four of five in-silico tools predict a benign effect of the variant on protein function. Consensus agreement among computation tools predict no significant impact on normal splicing. However, these predictions have yet to be confirmed by functional studies. The variant allele was found at a frequency of 4e-06 in 251392 control chromosomes (gnomAD). The available data on variant occurrences in the general population are insufficient to allow any conclusion about variant significance. To our knowledge, no occurrence of c.7015C>T in individuals affected with Epileptic Encephalopathy, Early Infantile, 5 and no experimental evidence demonstrating its impact on protein function have been reported. No submitters have cited clinical-significance assessments for this variant to ClinVar. Based on the evidence outlined above, the variant was classified as uncertain significance.